The following is an entry in ClinVar:

NM_001242896.3(DEPDC5):c.1945A>G (p.Arg649Gly)

Gene: DEPDC5 (DEP domain containing 5, GATOR1 subcomplex subunit; plus strand). Cytogenetic location: 22q12.3.
Variant type: single nucleotide variant.
Coding change: c.1945A>G on transcript NM_001242896.3 (MANE Select); coding-DNA position 1945, A replaced by G.
Protein change: p.Arg649Gly; replaces arginine 649 with glycine.
Molecular consequence: missense variant. On other transcripts: non-coding transcript variant (4), intron variant (3).
Genome position (GRCh38, 1-based): chr22:31,821,576, A>G. VCF-style: chr22-31821576-A-G. GRCh37 (hg19) VCF-style: chr22-32217562-A-G.
Other names: c.1945A>G, p.Arg649Gly (NM_001136029.4, NM_001363852.2, NM_001364318.2 and 3 more transcripts); c.1861A>G, p.Arg621Gly (NM_001369901.1, NM_001369902.1); c.1870+2351A>G (NM_001363854.2, NM_001242897.2, NM_001364319.2); short protein forms R649G, R621G.
Identifiers: ClinVar variation 571268 (VCV000571268.10), dbSNP rs775910110, ClinGen allele CA10196512.
Genomic context (GRCh38, chr22:31,821,576, plus strand): 5'-GCCATCCAGATCCACCACCAGACCCGACAGAATATGGCGGAGCTACAAGGCAGCGGGCAG[A>G]GGGATCCAACTCACTCCTCTGCAGAGCTGCTGGAGTTAGCATATCATGAAGCTGCTGGAA-3'
Protein context (NP_001229825.1, residues 639-659): NMAELQGSGQ[Arg649Gly]DPTHSSAELL

ClinVar aggregate classification (germline): Uncertain significance (1 of 4 stars; one submission).

Conditions:
Familial focal epilepsy with variable foci (FPEVF). Identifiers: Orphanet 98820, MedGen C1858477, MONDO:0020310.

Allele frequency attached by ClinVar (database versions not stated): gnomAD exomes 0.00001; ExAC 0.00002; TOPMed 0.00002; gnomAD 0.00003.
gnomAD v4.1: 9 of 1,614,134 alleles (0.00056%); highest among the groups gnomAD compares: African/African-American, 0.0093%; no homozygotes.

Submission:

Labcorp Genetics (formerly Invitae), Labcorp
Classification: Uncertain significance for Familial focal epilepsy with variable foci. Last evaluated: 2023-07-13. Review status: criteria provided, single submitter. Criteria: Invitae Variant Classification Sherloc (09022015). Collection method: clinical testing. Allele origin: germline.
Comment: In summary, the available evidence is currently insufficient to determine the role of this variant in disease. Therefore, it has been classified as a Variant of Uncertain Significance. Experimental studies and prediction algorithms are not available or were not evaluated, and the functional significance of this variant is currently unknown. ClinVar contains an entry for this variant (Variation ID: 571268). This variant has not been reported in the literature in individuals affected with DEPDC5-related conditions. This variant is present in population databases (rs775910110, gnomAD 0.02%). This sequence change replaces arginine, which is basic and polar, with glycine, which is neutral and non-polar, at codon 649 of the DEPDC5 protein (p.Arg649Gly).